The following is an entry in ClinVar:

ClinVar aggregate classification (germline): Conflicting classifications of pathogenicity. Review status: criteria provided, conflicting classifications (1 of 4 stars). 3 submissions from 3 submitters: Uncertain significance (2); Likely benign (1). Last evaluated 2025-09-28.

Conditions:
Hereditary cancer-predisposing syndrome. Also called: Hereditary Cancer Syndrome; Hereditary neoplastic syndrome; Tumor predisposition; Neoplastic Syndromes, Hereditary. Identifiers: Orphanet 140162, MedGen C0027672, MeSH D009386, MONDO:0015356.
Oligodontia-cancer predisposition syndrome. Also called: TOOTH AGENESIS-COLORECTAL CANCER SYNDROME. Identifiers: Orphanet 300576, MedGen C1837750, MONDO:0012075, OMIM 608615. Disease mechanism: loss of function.

Allele frequency attached by ClinVar (database versions not stated): gnomAD exomes below 0.00001.

Submissions (3):

Labcorp Genetics (formerly Invitae), Labcorp
Classification: Uncertain significance for Oligodontia-cancer predisposition syndrome. Last evaluated: 2025-09-28. Review status: criteria provided, single submitter. Criteria: Invitae Variant Classification Sherloc (09022015). Collection method: clinical testing. Allele origin: germline.
Comment: This sequence change replaces threonine, which is neutral and polar, with serine, which is neutral and polar, at codon 8 of the AXIN2 protein (p.Thr8Ser). This variant is present in population databases (no rsID available, gnomAD 0.0009%). This variant has not been reported in the literature in individuals affected with AXIN2-related conditions. ClinVar contains an entry for this variant (Variation ID: 1789250). An algorithm developed to predict the effect of missense changes on protein structure and function outputs the following: PolyPhen-2: "Benign". The serine amino acid residue is found in multiple mammalian species, which suggests that this missense change does not adversely affect protein function. In summary, the available evidence is currently insufficient to determine the role of this variant in disease. Therefore, it has been classified as a Variant of Uncertain Significance.

Ambry Genetics
Classification: Likely benign for Hereditary cancer-predisposing syndrome. Last evaluated: 2025-09-10. Review status: criteria provided, single submitter. Criteria: Ambry Variant Classification Scheme 2023. Collection method: clinical testing. Allele origin: germline.

GeneDx
Classification: Uncertain significance. Last evaluated: 2023-05-26. Review status: criteria provided, single submitter. Criteria: GeneDx Variant Classification Process June 2021. Collection method: clinical testing. Allele origin: germline. Affected: yes.
Comment: Not observed at significant frequency in large population cohorts (gnomAD); In silico analysis supports that this missense variant does not alter protein structure/function; Has not been previously published as pathogenic or benign to our knowledge

NM_004655.4(AXIN2):c.22A>T (p.Thr8Ser)

Gene: AXIN2 (axin 2; minus strand). Cytogenetic location: 17q24.1.
Variant type: single nucleotide variant.
Coding change: c.22A>T on transcript NM_004655.4 (MANE Select); coding-DNA position 22, A replaced by T.
Protein change: p.Thr8Ser; replaces threonine 8 with serine.
Molecular consequence: missense variant.
Genome position (GRCh38, 1-based): chr17:65,558,599, T>A on the plus strand (A>T on the coding strand, the complement: AXIN2 is on the minus strand). VCF-style: chr17-65558599-T-A. GRCh37 (hg19) VCF-style: chr17-63554717-T-A.
Other names: c.22A>T, p.Thr8Ser (NM_001363813.1); short protein forms T8S.
Identifiers: ClinVar variation 1789250 (VCV001789250.9), dbSNP rs1275134450, ClinGen allele CA400682466.